The following is an entry in ClinVar:

ClinVar aggregate classification (germline): Uncertain significance. Review status: criteria provided, multiple submitters, no conflicts (2 of 4 stars). 2 submissions from 2 submitters: Uncertain significance (2). Last evaluated 2025-10-07.

Allele frequency attached by ClinVar (database versions not stated): gnomAD exomes below 0.00001.
gnomAD v4.1: 2 of 1,614,178 alleles (0.00012%); highest among the groups gnomAD compares: Admixed American, 0.0033%; no homozygotes.

Submissions (2):

Labcorp Genetics (formerly Invitae), Labcorp
Classification: Uncertain significance. Last evaluated: 2025-10-07. Review status: criteria provided, single submitter. Criteria: Invitae Variant Classification Sherloc (09022015). Collection method: clinical testing. Allele origin: germline.
Comment: This sequence change replaces methionine, which is neutral and non-polar, with leucine, which is neutral and non-polar, at codon 2445 of the FLNB protein (p.Met2445Leu). This variant is not present in population databases (gnomAD no frequency). This variant has not been reported in the literature in individuals affected with FLNB-related conditions. ClinVar contains an entry for this variant (Variation ID: 2441473). Invitae Evidence Modeling of protein sequence and biophysical properties (such as structural, functional, and spatial information, amino acid conservation, physicochemical variation, residue mobility, and thermodynamic stability) indicates that this missense variant is not expected to disrupt FLNB protein function with a negative predictive value of 95%. In summary, the available evidence is currently insufficient to determine the role of this variant in disease. Therefore, it has been classified as a Variant of Uncertain Significance.

Revvity Omics, Revvity
Classification: Uncertain significance. Last evaluated: 2019-04-09. Review status: criteria provided, single submitter. Criteria: ACMG Guidelines, 2015. Collection method: clinical testing. Allele origin: germline.

NM_001457.4(FLNB):c.7333A>T (p.Met2445Leu)

Genes: FLNB (filamin B; plus strand), FLNB-AS1 (FLNB antisense RNA 1; minus strand). Cytogenetic location: 3p14.3.
Variant type: single nucleotide variant.
Coding change: c.7333A>T on transcript NM_001457.4 (MANE Select); coding-DNA position 7333, A replaced by T.
Protein change: p.Met2445Leu; replaces methionine 2445 with leucine.
Molecular consequence: missense variant.
Genome position (GRCh38, 1-based): chr3:58,168,574, A>T. VCF-style: chr3-58168574-A-T. GRCh37 (hg19) VCF-style: chr3-58154301-A-T.
Other names: c.7426A>T, p.Met2476Leu (NM_001164317.2); c.7300A>T, p.Met2434Leu (NM_001164318.2); c.7261A>T, p.Met2421Leu (NM_001164319.2); short protein forms M2421L, M2434L, M2445L, M2476L.
Identifiers: ClinVar variation 2441473 (VCV002441473.4), dbSNP rs2471272303, ClinGen allele CA353334885.